The following is an entry in ClinVar:

NM_201384.3(PLEC):c.6011G>A (p.Arg2004Gln)

Gene: PLEC (plectin; minus strand). Cytogenetic location: 8q24.3.
Variant type: single nucleotide variant.
Coding change: c.6011G>A on transcript NM_201384.3 (MANE Select); coding-DNA position 6011, G replaced by A.
Protein change: p.Arg2004Gln; replaces arginine 2004 with glutamine.
Molecular consequence: missense variant.
Genome position (GRCh38, 1-based): chr8:143,923,918, C>T on the plus strand (G>A on the coding strand, the complement: PLEC is on the minus strand). VCF-style: chr8-143923918-C-T. GRCh37 (hg19) VCF-style: chr8-144998086-C-T.
Other names: c.6092G>A, p.Arg2031Gln (NM_000445.5); c.5969G>A, p.Arg1990Gln (NM_201378.4); c.5945G>A, p.Arg1982Gln (NM_201379.3); c.6422G>A, p.Arg2141Gln (NM_201380.4); c.5915G>A, p.Arg1972Gln (NM_201381.3); c.6011G>A, p.Arg2004Gln (NM_201382.4); c.6023G>A, p.Arg2008Gln (NM_201383.3); short protein forms R2008Q, R2031Q, R1990Q, R2004Q, R1972Q, R1982Q, R2141Q.
Identifiers: ClinVar variation 1416903 (VCV001416903.8), dbSNP rs781921057, ClinGen allele CA4926145.
Genomic context (GRCh38, chr8:143,923,918, plus strand): 5'-AGGCGCCGCGCCTCCTCCACCTTGGCTTTCAGCCGCTCGACTTCCTCCAGCGCCGCCTTC[C>T]GCTGCCGTGCGGCCTCCTCCTCGGCCGCCAGGCTCTTCTGCACGCGCTCCTCAGCCTCAC-3'
Protein context (NP_958786.1, residues 1994-2014): LAAEEEAARQ[Arg2004Gln]KAALEEVERL

ClinVar aggregate classification (germline): Uncertain significance (1 of 4 stars; one submission).

Conditions:
Epidermolysis bullosa simplex 5B, with muscular dystrophy (EBS5B). Also called: EPIDERMOLYSIS BULLOSA SIMPLEX AND LIMB-GIRDLE MUSCULAR DYSTROPHY; Epidermolysis bullosa simplex with muscular dystrophy. Identifiers: Orphanet 257, MedGen C2931072, MONDO:0009181, OMIM 226670.
Epidermolysis bullosa simplex, Ogna type (EBS5A). Also called: EPIDERMOLYSIS BULLOSA SIMPLEX 5A, OGNA TYPE; Pidermolysis bullosa simplex 5A, Ogna type. Identifiers: Orphanet 79401, MedGen C0432317, MONDO:0007555, OMIM 131950.
Epidermolysis bullosa simplex with nail dystrophy (EBS5D). Identifiers: MedGen C4225309, MONDO:0014661, OMIM 616487.
Autosomal recessive limb-girdle muscular dystrophy type 2Q (LGMDR17). Also called: MUSCULAR DYSTROPHY, LIMB-GIRDLE, AUTOSOMAL RECESSIVE 17. Identifiers: Orphanet 254361, MedGen C3150989, MONDO:0013390, OMIM 613723.
Epidermolysis bullosa simplex 5C, with pyloric atresia (EBS5C). Also called: Epidermolysis bullosa simplex with pyloric atresia; PLEC-Related Epidermolysis Bullosa with Pyloric Atresia; PLEC1-Related Epidermolysis Bullosa with Pyloric Atresia. Identifiers: Orphanet 158684, MedGen C2677349, MONDO:0012807, OMIM 612138.

Allele frequency attached by ClinVar (database versions not stated): gnomAD 0.00001; TOPMed 0.00002; gnomAD exomes 0.00003; ExAC 0.00007.
gnomAD v4.1: 34 of 1,594,862 alleles (0.0021%); highest among the groups gnomAD compares: East Asian, 0.0067%; no homozygotes.

Submission:

Labcorp Genetics (formerly Invitae), Labcorp
Classification: Uncertain significance for Autosomal recessive limb-girdle muscular dystrophy type 2Q; Epidermolysis bullosa simplex, Ogna type; Epidermolysis bullosa simplex with nail dystrophy; Epidermolysis bullosa simplex 5C, with pyloric atresia; Epidermolysis bullosa simplex 5B, with muscular dystrophy. Last evaluated: 2025-11-15. Review status: criteria provided, single submitter. Criteria: Invitae Variant Classification Sherloc (09022015). Collection method: clinical testing. Allele origin: germline.
Comment: This sequence change replaces arginine, which is basic and polar, with glutamine, which is neutral and polar, at codon 2031 of the PLEC protein (p.Arg2031Gln). This variant is present in population databases (rs781921057, gnomAD 0.02%). This variant has not been reported in the literature in individuals affected with PLEC-related conditions. ClinVar contains an entry for this variant (Variation ID: 1416903). Experimental studies and prediction algorithms are not available or were not evaluated, and the functional significance of this variant is currently unknown. In summary, the available evidence is currently insufficient to determine the role of this variant in disease. Therefore, it has been classified as a Variant of Uncertain Significance.